The following is an entry in ClinVar:

ClinVar aggregate classification (germline): Uncertain significance (1 of 4 stars; one submission).

Conditions:
Intellectual disability-epilepsy-extrapyramidal syndrome (NEDHELS). Also called: Dyskinesia, seizures, and intellectual developmental disorder. Identifiers: Orphanet 468620, MedGen C4310683, MONDO:0014952, OMIM 617171.

Submission:

Institute of Human Genetics, University of Leipzig Medical Center
Classification: Uncertain significance for Intellectual disability-epilepsy-extrapyramidal syndrome. Last evaluated: 2020-09-23. Review status: criteria provided, single submitter. Criteria: ACMG Guidelines, 2015. Collection method: clinical testing. Allele origin: biparental. Affected: yes.
Comment: This variant was identified as homozygous.

NM_021008.3:c.(1503+1_1504-1)_(1593+1_1594-1)del

Gene: DEAF1 (DEAF1 transcription factor; minus strand).
Variant type: Deletion.
Identifiers: ClinVar variation 1285588 (VCV001285588.1).